The following is an entry in ClinVar:

NM_001377.3(DYNC2H1):c.9217T>C (p.Ser3073Pro)

Gene: DYNC2H1 (dynein cytoplasmic 2 heavy chain 1; plus strand). Cytogenetic location: 11q22.3.
Variant type: single nucleotide variant.
Coding change: c.9217T>C on transcript NM_001377.3 (MANE Select); coding-DNA position 9217, T replaced by C.
Protein change: p.Ser3073Pro; replaces serine 3073 with proline.
Molecular consequence: missense variant.
Genome position (GRCh38, 1-based): chr11:103,222,139, T>C. VCF-style: chr11-103222139-T-C. GRCh37 (hg19) VCF-style: chr11-103092868-T-C.
Other names: c.9217T>C, p.Ser3073Pro (NM_001080463.2); short protein forms S3073P.
Identifiers: ClinVar variation 302078 (VCV000302078.10), dbSNP rs199970220, ClinGen allele CA6254626.

ClinVar aggregate classification (germline): Uncertain significance. Review status: criteria provided, multiple submitters, no conflicts (2 of 4 stars). 4 submissions from 4 submitters: Uncertain significance (4). Last evaluated 2026-08-04.

Conditions:
Inborn genetic diseases. Identifiers: MedGen C0950123, MeSH D030342.
Jeune thoracic dystrophy. Also called: Jeune syndrome; Infantile thoracic dystrophy; Thoracic pelvic phalangeal dystrophy; Jeune's syndrome; Chondroectodermal dysplasia-like syndrome; Short-rib thoracic dysplasia. Identifiers: Orphanet 474, MedGen C0265275, MONDO:0018770.
Asphyxiating thoracic dystrophy 3. Also called: SHORT-RIB THORACIC DYSPLASIA 3 WITH OR WITHOUT POLYDACTYLY; POLYDACTYLY WITH NEONATAL CHONDRODYSTROPHY, TYPE I; SHORT-RIB THORACIC DYSPLASIA 3/6 WITH POLYDACTYLY, DIGENIC; Short rib polydactyly syndrome 2B; Saldino-Noonan Syndrome. Identifiers: Orphanet 474, Orphanet 93269, Orphanet 93270, Orphanet 93271, MedGen C0036069, MONDO:0013127, OMIM 613091.

Allele frequency attached by ClinVar (database versions not stated): gnomAD exomes 0.00003 and 0.00005; TOPMed 0.00003; ExAC 0.00002; 1000 Genomes Project 30x 0.00016; gnomAD 0.00005 and 0.00004; 1000 Genomes Project 0.00020.
gnomAD v4.1: 78 of 1,560,916 alleles (0.005%); highest among the groups gnomAD compares: Admixed American, 0.013%; no homozygotes.

Submissions (4):

Ambry Genetics
Classification: Uncertain significance for Inborn genetic diseases. Last evaluated: 2026-08-04. Review status: criteria provided, single submitter. Criteria: Ambry Variant Classification Scheme 2023. Collection method: clinical testing. Allele origin: germline.

Blueprint Genetics
Classification: Uncertain significance. Last evaluated: 2024-03-12. Review status: criteria provided, single submitter. Criteria: ACMG Guidelines, 2015. Collection method: clinical testing. Allele origin: germline.

Labcorp Genetics (formerly Invitae), Labcorp
Classification: Uncertain significance for Jeune thoracic dystrophy. Last evaluated: 2022-09-16. Review status: criteria provided, single submitter. Criteria: Invitae Variant Classification Sherloc (09022015). Collection method: clinical testing. Allele origin: germline.
Comment: This sequence change replaces serine, which is neutral and polar, with proline, which is neutral and non-polar, at codon 3073 of the DYNC2H1 protein (p.Ser3073Pro). This variant is present in population databases (rs199970220, gnomAD 0.007%). This variant has not been reported in the literature in individuals affected with DYNC2H1-related conditions. ClinVar contains an entry for this variant (Variation ID: 302078). Advanced modeling of protein sequence and biophysical properties (such as structural, functional, and spatial information, amino acid conservation, physicochemical variation, residue mobility, and thermodynamic stability) performed at Invitae indicates that this missense variant is expected to disrupt DYNC2H1 protein function. In summary, the available evidence is currently insufficient to determine the role of this variant in disease. Therefore, it has been classified as a Variant of Uncertain Significance.

Illumina Laboratory Services, Illumina
Classification: Uncertain significance for Asphyxiating thoracic dystrophy 3. Last evaluated: 2018-01-13. Review status: criteria provided, single submitter. Criteria: ICSL Variant Classification Criteria 13 December 2019. Collection method: clinical testing. Allele origin: germline.